The following is an entry in ClinVar:

ClinVar aggregate classification (germline): Uncertain significance (1 of 4 stars; one submission).

Allele frequency attached by ClinVar (database versions not stated): ExAC 0.00001; gnomAD 0.00001.
gnomAD v4.1: 14 of 1,598,548 alleles (0.00088%); highest among the groups gnomAD compares: Non-Finnish European, 0.0012%; no homozygotes.

Submission:

Labcorp Genetics (formerly Invitae), Labcorp
Classification: Uncertain significance. Last evaluated: 2022-09-17. Review status: criteria provided, single submitter. Criteria: Invitae Variant Classification Sherloc (09022015). Collection method: clinical testing. Allele origin: germline.
Comment: In summary, the available evidence is currently insufficient to determine the role of this variant in disease. Therefore, it has been classified as a Variant of Uncertain Significance. Algorithms developed to predict the effect of missense changes on protein structure and function output the following: SIFT: "Tolerated"; PolyPhen-2: "Benign"; Align-GVGD: "Class C0". The alanine amino acid residue is found in multiple mammalian species, which suggests that this missense change does not adversely affect protein function. This variant has not been reported in the literature in individuals affected with PRDM13-related conditions. This variant is present in population databases (rs752818961, gnomAD 0.006%). This sequence change replaces proline, which is neutral and non-polar, with alanine, which is neutral and non-polar, at codon 502 of the PRDM13 protein (p.Pro502Ala).

NM_021620.4(PRDM13):c.1504C>G (p.Pro502Ala)

Gene: PRDM13 (PR/SET domain 13; plus strand). Cytogenetic location: 6q16.2.
Variant type: single nucleotide variant.
Coding change: c.1504C>G on transcript NM_021620.4 (MANE Select); coding-DNA position 1504, C replaced by G.
Protein change: p.Pro502Ala; replaces proline 502 with alanine.
Molecular consequence: missense variant.
Genome position (GRCh38, 1-based): chr6:99,614,139, C>G. VCF-style: chr6-99614139-C-G. GRCh37 (hg19) VCF-style: chr6-100062015-C-G.
Other names: short protein forms P502A.
Identifiers: ClinVar variation 1968200 (VCV001968200.5), dbSNP rs752818961, ClinGen allele CA3936392.